The following is an entry in ClinVar:

ClinVar aggregate classification (germline): Uncertain significance (1 of 4 stars; one submission).

Submission:

Ambry Genetics
Classification: Uncertain significance. Last evaluated: 2025-06-15. Review status: criteria provided, single submitter. Criteria: Ambry Variant Classification Scheme 2023. Collection method: clinical testing. Allele origin: germline.
Comment: The p.T505K variant (also known as c.1514C>A), located in coding exon 1 of the TET2 gene, results from a C to A substitution at nucleotide position 1514. The threonine at codon 505 is replaced by lysine, an amino acid with similar properties. This amino acid position is conserved. In addition, this alteration is predicted to be tolerated by in silico analysis. Based on the available evidence, the clinical significance of this variant remains unclear.

NM_001127208.3(TET2):c.1514C>A (p.Thr505Lys)

Genes: TET2 (tet methylcytosine dioxygenase 2; plus strand), TET2-AS1 (TET2 antisense RNA 1; minus strand). Cytogenetic location: 4q24.
Variant type: single nucleotide variant.
Coding change: c.1514C>A on transcript NM_001127208.3 (MANE Select); coding-DNA position 1514, C replaced by A.
Protein change: p.Thr505Lys; replaces threonine 505 with lysine.
Molecular consequence: missense variant.
Genome position (GRCh38, 1-based): chr4:105,235,456, C>A. VCF-style: chr4-105235456-C-A. GRCh37 (hg19) VCF-style: chr4-106156613-C-A.
Other names: c.1514C>A, p.Thr505Lys (NM_017628.4); short protein forms T505K.
Identifiers: ClinVar variation 4182910 (VCV004182910.1).